The following is an entry in ClinVar:

ClinVar aggregate classification (germline): Uncertain significance. Review status: criteria provided, multiple submitters, no conflicts (2 of 4 stars). 2 submissions from 2 submitters: Uncertain significance (2). Last evaluated 2021-10-01.

Conditions:
Hereditary cancer-predisposing syndrome. Also called: Tumor predisposition; Hereditary Cancer Syndrome; Hereditary neoplastic syndrome; Neoplastic Syndromes, Hereditary. Identifiers: Orphanet 140162, MedGen C0027672, MeSH D009386, MONDO:0015356.

Submissions (2):

Labcorp Genetics (formerly Invitae), Labcorp
Classification: Uncertain significance for Hereditary cancer-predisposing syndrome. Last evaluated: 2021-10-01. Review status: criteria provided, single submitter. Criteria: Invitae Variant Classification Sherloc (09022015). Collection method: clinical testing. Allele origin: germline.
Comment: In summary, the available evidence is currently insufficient to determine the role of this variant in disease. Therefore, it has been classified as a Variant of Uncertain Significance. Algorithms developed to predict the effect of missense changes on protein structure and function are either unavailable or do not agree on the potential impact of this missense change (SIFT: "Deleterious"; PolyPhen-2: "Probably Damaging"; Align-GVGD: "Class C0"). This variant has not been reported in the literature in individuals affected with RAD50-related conditions. This variant is not present in population databases (ExAC no frequency). This sequence change replaces lysine with threonine at codon 170 of the RAD50 protein (p.Lys170Thr). The lysine residue is highly conserved and there is a moderate physicochemical difference between lysine and threonine.

Ambry Genetics
Classification: Uncertain significance for Hereditary cancer-predisposing syndrome. Last evaluated: 2020-02-13. Review status: criteria provided, single submitter. Criteria: Ambry Variant Classification Scheme 2023. Collection method: clinical testing. Allele origin: germline.
Comment: The p.K170T variant (also known as c.509A>C), located in coding exon 4 of the RAD50 gene, results from an A to C substitution at nucleotide position 509. The lysine at codon 170 is replaced by threonine, an amino acid with similar properties. This amino acid position is highly conserved in available vertebrate species. In addition, this alteration is predicted to be tolerated by in silico analysis. Since supporting evidence is limited at this time, the clinical significance of this alteration remains unclear.

NM_005732.4(RAD50):c.509A>C (p.Lys170Thr)

Gene: RAD50 (RAD50 double strand break repair protein; plus strand). Cytogenetic location: 5q31.1.
Variant type: single nucleotide variant.
Coding change: c.509A>C on transcript NM_005732.4 (MANE Select); coding-DNA position 509, A replaced by C.
Protein change: p.Lys170Thr; replaces lysine 170 with threonine.
Molecular consequence: missense variant.
Genome position (GRCh38, 1-based): chr5:132,579,460, A>C. VCF-style: chr5-132579460-A-C. GRCh37 (hg19) VCF-style: chr5-131915152-A-C.
Other names: short protein forms K170T.
Identifiers: ClinVar variation 1483277 (VCV001483277.8), dbSNP rs2149837786, ClinGen allele CA360934767.